The following is an entry in ClinVar:

ClinVar aggregate classification (germline): Uncertain significance (1 of 4 stars; one submission).

Conditions:
Rhabdoid tumor predisposition syndrome 2 (RTPS2). Identifiers: Orphanet 231108, Orphanet 69077, MedGen C2750074, MONDO:0013224, OMIM 613325.

Submission:

Labcorp Genetics (formerly Invitae), Labcorp
Classification: Uncertain significance for Rhabdoid tumor predisposition syndrome 2. Last evaluated: 2022-06-26. Review status: criteria provided, single submitter. Criteria: Invitae Variant Classification Sherloc (09022015). Collection method: clinical testing. Allele origin: germline.
Comment: In summary, the available evidence is currently insufficient to determine the role of this variant in disease. Therefore, it has been classified as a Variant of Uncertain Significance. Algorithms developed to predict the effect of missense changes on protein structure and function (SIFT, PolyPhen-2, Align-GVGD) all suggest that this variant is likely to be disruptive. This variant has not been reported in the literature in individuals affected with SMARCA4-related conditions. This variant is not present in population databases (gnomAD no frequency). This sequence change replaces glutamine, which is neutral and polar, with arginine, which is basic and polar, at codon 1004 of the SMARCA4 protein (p.Gln1004Arg).

NM_003072.5(SMARCA4):c.3011A>G (p.Gln1004Arg)

Gene: SMARCA4 (SWI/SNF related BAF chromatin remodeling complex subunit ATPase 4; plus strand). Cytogenetic location: 19p13.2.
Variant type: single nucleotide variant.
Coding change: c.3011A>G on transcript NM_003072.5 (MANE Select); coding-DNA position 3011, A replaced by G.
Protein change: p.Gln1004Arg; replaces glutamine 1004 with arginine.
Molecular consequence: missense variant. On other transcripts: non-coding transcript variant (1).
Genome position (GRCh38, 1-based): chr19:11,024,368, A>G. VCF-style: chr19-11024368-A-G. GRCh37 (hg19) VCF-style: chr19-11135044-A-G.
Other names: c.3011A>G, p.Gln1004Arg (NM_001128844.3, NM_001128845.2, NM_001128846.2 and 6 more transcripts); short protein forms Q1004R.
Identifiers: ClinVar variation 2010754 (VCV002010754.4), dbSNP rs2146473271, ClinGen allele CA404058915.